The following is an entry in ClinVar:

ClinVar aggregate classification (germline): Uncertain significance (1 of 4 stars; one submission).

Conditions:
Cystic leukoencephalopathy without megalencephaly. Identifiers: Orphanet 85136, MedGen C2751843, MONDO:0013058, OMIM 612951.

Allele frequency attached by ClinVar (database versions not stated): gnomAD exomes 0.00001 and 0.00003; TOPMed 0.00001; ExAC 0.00002.

Submission:

Broad Center for Mendelian Genomics, Broad Institute of MIT and Harvard
Classification: Uncertain significance for Cystic leukoencephalopathy without megalencephaly. Last evaluated: 2018-12-03. Review status: criteria provided, single submitter. Criteria: ACMG Guidelines, 2015. Collection method: research. Allele origin: germline. Inheritance: Autosomal recessive inheritance. Affected: yes.
Comment: The p.Pro250Ser variant in RNASET2 has not been previously reported in individuals with cystic leukoencephalopathy without megalencephaly and has been identified in 0.01949% (6/30782) of South Asian chromosomes by the Genome Aggregation Database (gnomAD; dbSNP rs759625896). Although this variant has been seen in the general population, its frequency is low enough to be consistent with a recessive carrier frequency. Computational prediction tools and conservation analyses suggest that this variant may not impact the protein, though this information is not predictive enough to rule out pathogenicity. In summary, the clinical significance of the p.Pro250Ser variant is uncertain. ACMG/AMP Criteria applied: PM2, BP4 (Richards 2015).

NM_003730.6(RNASET2):c.748C>T (p.Pro250Ser)

Gene: RNASET2 (ribonuclease T2; minus strand). Cytogenetic location: 6q27.
Variant type: single nucleotide variant.
Coding change: c.748C>T on transcript NM_003730.6 (MANE Select); coding-DNA position 748, C replaced by T.
Protein change: p.Pro250Ser; replaces proline 250 with serine.
Molecular consequence: missense variant.
Genome position (GRCh38, 1-based): chr6:166,929,611, G>A on the plus strand (C>T on the coding strand, the complement: RNASET2 is on the minus strand). VCF-style: chr6-166929611-G-A. GRCh37 (hg19) VCF-style: chr6-167343099-G-A.
Other names: short protein forms P250S.
Identifiers: ClinVar variation 813909 (VCV000813909.1), dbSNP rs759625896, ClinGen allele CA4094800.